The following is an entry in ClinVar:

ClinVar aggregate classification (germline): Uncertain significance (1 of 4 stars; one submission).

Conditions:
Frontotemporal dementia (FTD1). Also called: Frontotemporal lobe dementia (FLDEM); Dementia, frontotemporal, with or without parkinsonism; MULTIPLE SYSTEM TAUOPATHY WITH PRESENILE DEMENTIA; Frontotemporal Dementia with Parkinsonism-17 (FTDP-17); FRONTOTEMPORAL DEMENTIA WITH PARKINSONISM; FRONTOTEMPORAL LOBE DEMENTIA. Identifiers: Orphanet 282, MedGen C0338451, MONDO:0017276, OMIM 600274, HP:0002145.

Allele frequency attached by ClinVar (database versions not stated): gnomAD exomes below 0.00001; ExAC 0.00001.

Submission:

Labcorp Genetics (formerly Invitae), Labcorp
Classification: Uncertain significance for Frontotemporal dementia. Last evaluated: 2020-01-21. Review status: criteria provided, single submitter. Criteria: Invitae Variant Classification Sherloc (09022015). Collection method: clinical testing. Allele origin: germline.
Comment: In summary, the available evidence is currently insufficient to determine the role of this variant in disease. Therefore, it has been classified as a Variant of Uncertain Significance. Algorithms developed to predict the effect of missense changes on protein structure and function are either unavailable or do not agree on the potential impact of this missense change (SIFT: "Deleterious"; PolyPhen-2: "Probably Damaging"; Align-GVGD: "Class C0"). This sequence change replaces threonine with asparagine at codon 212 of the MAPT protein (p.Thr212Asn). The threonine residue is highly conserved and there is a small physicochemical difference between threonine and asparagine. The frequency data for this variant in the population databases is considered unreliable, as metrics indicate poor data quality at this position in the ExAC database. This variant has not been reported in the literature in individuals with MAPT-related conditions.

NM_001377265.1(MAPT):c.1811C>A (p.Thr604Asn)

Gene: MAPT (microtubule associated protein tau). Cytogenetic location: 17q21.31.
Variant type: single nucleotide variant.
Coding change: c.1811C>A on transcript NM_001377265.1 (MANE Select); coding-DNA position 1811, C replaced by A.
Protein change: p.Thr604Asn; replaces threonine 604 with asparagine.
Molecular consequence: missense variant.
Genome position (GRCh38, 1-based): chr17:45,996,477, C>A. VCF-style: chr17-45996477-C-A. GRCh37 (hg19) VCF-style: chr17-44073843-C-A.
Other names: c.1640C>A, p.Thr547Asn (NM_001123066.4); c.548C>A, p.Thr183Asn (NM_001123067.4, NM_001203251.2, NM_001377267.1); c.635C>A, p.Thr212Asn (NM_001203252.2, NM_005910.6); c.1613C>A, p.Thr538Asn (NM_001377266.1); c.461C>A, p.Thr154Asn (NM_001377268.1, NM_016834.5, NM_016841.5); c.1586C>A, p.Thr529Asn (NM_016835.5); short protein forms T154N, T183N, T212N, T529N, T538N, T547N, T604N.
Identifiers: ClinVar variation 1003702 (VCV001003702.10), dbSNP rs763356972, ClinGen allele CA8618040.